The following is an entry in ClinVar:

NM_004385.5(VCAN):c.3424A>G (p.Thr1142Ala)

Gene: VCAN (versican; plus strand). Cytogenetic location: 5q14.3.
Variant type: single nucleotide variant.
Coding change: c.3424A>G on transcript NM_004385.5 (MANE Select); coding-DNA position 3424, A replaced by G.
Protein change: p.Thr1142Ala; replaces threonine 1142 with alanine.
Molecular consequence: missense variant. On other transcripts: intron variant (2).
Genome position (GRCh38, 1-based): chr5:83,521,730, A>G. VCF-style: chr5-83521730-A-G. GRCh37 (hg19) VCF-style: chr5-82817549-A-G.
Other names: c.3424A>G, p.Thr1142Ala (NM_001164098.2); c.1042+9334A>G (NM_001164097.2, NM_001126336.3); short protein forms T1142A.
Identifiers: ClinVar variation 1956301 (VCV001956301.5), dbSNP rs764151862, ClinGen allele CA3333007.

ClinVar aggregate classification (germline): Uncertain significance (1 of 4 stars; one submission).

Allele frequency attached by ClinVar (database versions not stated): gnomAD exomes below 0.00001; ExAC 0.00001; TOPMed 0.00001.
gnomAD v4.1: 2 of 1,614,074 alleles (0.00012%); highest among the groups gnomAD compares: Admixed American, 0.0033%; no homozygotes.

Submission:

Labcorp Genetics (formerly Invitae), Labcorp
Classification: Uncertain significance. Last evaluated: 2022-03-09. Review status: criteria provided, single submitter. Criteria: Invitae Variant Classification Sherloc (09022015). Collection method: clinical testing. Allele origin: germline.
Comment: In summary, the available evidence is currently insufficient to determine the role of this variant in disease. Therefore, it has been classified as a Variant of Uncertain Significance. Algorithms developed to predict the effect of missense changes on protein structure and function output the following: SIFT: "Tolerated"; PolyPhen-2: "Benign"; Align-GVGD: "Class C0". The alanine amino acid residue is found in multiple mammalian species, which suggests that this missense change does not adversely affect protein function. This variant has not been reported in the literature in individuals affected with VCAN-related conditions. This variant is present in population databases (rs764151862, gnomAD 0.003%). This sequence change replaces threonine, which is neutral and polar, with alanine, which is neutral and non-polar, at codon 1142 of the VCAN protein (p.Thr1142Ala).